The following is an entry in ClinVar:

NM_012414.4(RAB3GAP2):c.574A>G (p.Thr192Ala)

Gene: RAB3GAP2 (RAB3 GTPase activating non-catalytic protein subunit 2; minus strand). Cytogenetic location: 1q41.
Variant type: single nucleotide variant.
Coding change: c.574A>G on transcript NM_012414.4 (MANE Select); coding-DNA position 574, A replaced by G.
Protein change: p.Thr192Ala; replaces threonine 192 with alanine.
Molecular consequence: missense variant.
Genome position (GRCh38, 1-based): chr1:220,210,426, T>C on the plus strand (A>G on the coding strand, the complement: RAB3GAP2 is on the minus strand). VCF-style: chr1-220210426-T-C. GRCh37 (hg19) VCF-style: chr1-220383768-T-C.
Other names: short protein forms T192A.
Identifiers: ClinVar variation 1805391 (VCV001805391.5), dbSNP rs771630286, ClinGen allele CA1402970.

ClinVar aggregate classification (germline): Uncertain significance. Review status: criteria provided, multiple submitters, no conflicts (2 of 4 stars). 3 submissions from 3 submitters: Uncertain significance (3). Last evaluated 2022-12-06.

Conditions:
Martsolf syndrome 1. Identifiers: Orphanet 1387, MedGen C5542298, MONDO:8000008, OMIM 212720.
Inborn genetic diseases. Identifiers: MedGen C0950123, MeSH D030342.

Allele frequency attached by ClinVar (database versions not stated): ExAC 0.00003; TOPMed 0.00004; gnomAD 0.00005; gnomAD exomes 0.00002.
gnomAD v4.1: 40 of 1,613,992 alleles (0.0025%); highest among the groups gnomAD compares: Non-Finnish European, 0.0031%; no homozygotes.

Submissions (3):

GeneDx
Classification: Uncertain significance. Last evaluated: 2022-12-06. Review status: criteria provided, single submitter. Criteria: GeneDx Variant Classification Process June 2021. Collection method: clinical testing. Allele origin: germline. Affected: yes.
Comment: In silico analysis supports that this missense variant does not alter protein structure/function; Has not been previously published as pathogenic or benign to our knowledge

Ambry Genetics
Classification: Uncertain significance for Inborn genetic diseases. Last evaluated: 2022-07-13. Review status: criteria provided, single submitter. Criteria: Ambry Variant Classification Scheme 2023. Collection method: clinical testing. Allele origin: germline.

Victorian Clinical Genetics Services, Murdoch Childrens Research Institute
Classification: Uncertain significance for Martsolf syndrome 1. Last evaluated: 2022-03-31. Review status: criteria provided, single submitter. Criteria: ACMG Guidelines, 2015. Collection method: clinical testing. Allele origin: germline. Inheritance: Autosomal recessive inheritance. Affected: yes.
Comment: Based on the classification scheme VCGS_Germline_v1.3.4, this variant is classified as VUS-3B. Following criteria are met: 0102 - Loss of function is a known mechanism of disease in this gene and is associated with Martsolf syndrome (MIM212720) and Warburg micro syndrome 2 (MIM#614225). (I) 0106 - This gene is associated with autosomal recessive disease. (I) 0200 - Variant is predicted to result in a missense amino acid change from threonine to alanine. (I) 0251 - This variant is heterozygous. (I) 0304 - Variant is present in gnomAD (v3) <0.01 for a recessive condition (8 heterozygotes, 0 homozygotes). (SP) 0502 - Missense variant with conflicting in silico predictions and very highly conserved with a minor amino acid change. (I) 0600 - Variant is located in the annotated Rab3 GTPase-activating protein regulatory subunit N-terminus (DECIPHER). (I) 0705 - No comparable missense variants have previous evidence for pathogenicity. (I) 0807 - This variant has no previous evidence of pathogenicity. (I) 0905 - No published segregation evidence has been identified for this variant. (I) 1007 - No published functional evidence has been identified for this variant. (I) Legend: (SP) - Supporting pathogenic, (I) - Information, (SB) - Supporting benign